The following is an entry in ClinVar:

NM_001430.5(EPAS1):c.902A>T (p.Gln301Leu)

Gene: EPAS1 (endothelial PAS domain protein 1; plus strand). Cytogenetic location: 2p21.
Variant type: single nucleotide variant.
Coding change: c.902A>T on transcript NM_001430.5 (MANE Select); coding-DNA position 902, A replaced by T.
Protein change: p.Gln301Leu; replaces glutamine 301 with leucine.
Molecular consequence: missense variant.
Genome position (GRCh38, 1-based): chr2:46,375,705, A>T. VCF-style: chr2-46375705-A-T. GRCh37 (hg19) VCF-style: chr2-46602844-A-T.
Other names: short protein forms Q301L.
Identifiers: ClinVar variation 3221680 (VCV003221680.1), dbSNP rs2103662236, ClinGen allele CA346702618.

ClinVar aggregate classification (germline): Uncertain significance (1 of 4 stars; one submission).

Conditions:
Inborn genetic diseases. Identifiers: MedGen C0950123, MeSH D030342.

Submission:

Ambry Genetics
Classification: Uncertain significance for Inborn genetic diseases. Last evaluated: 2024-02-26. Review status: criteria provided, single submitter. Criteria: Ambry Variant Classification Scheme 2023. Collection method: clinical testing. Allele origin: germline.
Comment: The p.Q301L variant (also known as c.902A>T), located in coding exon 8 of the EPAS1 gene, results from an A to T substitution at nucleotide position 902. The glutamine at codon 301 is replaced by leucine, an amino acid with dissimilar properties. This amino acid position is conserved. In addition, the in silico prediction for this alteration is inconclusive. Based on the available evidence, the clinical significance of this alteration remains unclear.